The following is an entry in ClinVar:

NM_001374736.1(DST):c.12145C>T (p.Gln4049Ter)

Gene: DST (dystonin; minus strand). Cytogenetic location: 6p12.1.
Variant type: single nucleotide variant.
Coding change: c.12145C>T on transcript NM_001374736.1 (MANE Select); coding-DNA position 12145, C replaced by T.
Protein change: p.Gln4049Ter; replaces glutamine 4049 with a stop codon.
Molecular consequence: nonsense.
Genome position (GRCh38, 1-based): chr6:56,597,790, G>A on the plus strand (C>T on the coding strand, the complement: DST is on the minus strand). VCF-style: chr6-56597790-G-A. GRCh37 (hg19) VCF-style: chr6-56462588-G-A.
Other names: c.5788C>T, p.Gln1930Ter (NM_001144769.5); c.5374C>T, p.Gln1792Ter (NM_001144770.2); c.12145C>T, p.Gln4049Ter (NM_001374722.1); c.11512C>T, p.Gln3838Ter (NM_001374729.1); c.5254C>T, p.Gln1752Ter (NM_001374730.1, NM_001386100.1, NM_183380.4); c.12172C>T, p.Gln4058Ter (NM_001374734.1); c.4276C>T, p.Gln1426Ter (NM_015548.5); short protein forms Q1426*, Q1752*, Q1792*, Q1930*, Q3838*, Q4049*, Q4058*.
Identifiers: ClinVar variation 4880893 (VCV004880893.2).

ClinVar aggregate classification (germline): Likely pathogenic (1 of 4 stars; one submission).

Submission:

Dasa
Classification: Likely pathogenic. Last evaluated: 2025-07-22. Review status: criteria provided, single submitter. Criteria: DASA Assertion Criteria. Collection method: clinical testing. Allele origin: germline.
Comment: NM_001374736.1(DST):c.12145C>T (p.Gln4049*) is a nonsense variant in DST predicted to introduce a premature termination codon and is predicted to result in an absent or altered protein product. Loss of function is an established disease mechanism for DST-associated disorders. Also, this variant is absent from population databases. Based on the currently available evidence, this variant is classified as likely pathogenic.